The following is an entry in ClinVar:

ClinVar aggregate classification (germline): Pathogenic/Likely pathogenic. Review status: criteria provided, multiple submitters, no conflicts (2 of 4 stars). 3 submissions from 3 submitters: Pathogenic (1); Likely pathogenic (2). Last evaluated 2026-05-08.

Conditions:
KIZ-related disorder. Also called: KIZ-related condition.
KIZ & PLK1S1-related disorders.

Submissions (3):

PreventionGenetics, part of Exact Sciences
Classification: Likely pathogenic for KIZ-related condition. Last evaluated: 2026-05-08. Review status: criteria provided, single submitter. Criteria: ACMG Guidelines, 2015. Collection method: clinical testing. Allele origin: germline.
Comment: The KIZ c.1395_1398dupGGGT variant is predicted to result in a frameshift and premature protein termination (p.Gln467Glyfs*11). To our knowledge, this variant has not been reported in the literature. This variant is reported in 0.0065% of alleles in individuals of European (Non-Finnish) descent in gnomAD. Frameshift variants in KIZ are expected to be pathogenic. This variant is interpreted as likely pathogenic.

Labcorp Genetics (formerly Invitae), Labcorp
Classification: Pathogenic. Last evaluated: 2023-04-29. Review status: criteria provided, single submitter. Criteria: Invitae Variant Classification Sherloc (09022015). Collection method: clinical testing. Allele origin: germline.
Comment: For these reasons, this variant has been classified as Pathogenic. Algorithms developed to predict the effect of sequence changes on RNA splicing suggest that this variant may disrupt the consensus splice site. ClinVar contains an entry for this variant (Variation ID: 866866). This variant has not been reported in the literature in individuals affected with KIZ-related conditions. This variant is present in population databases (no rsID available, gnomAD 0.007%). This sequence change creates a premature translational stop signal (p.Gln467Glyfs*11) in the KIZ gene. It is expected to result in an absent or disrupted protein product. Loss-of-function variants in KIZ are known to be pathogenic (PMID: 24680887, 29057815).

Blueprint Genetics
Classification: Likely pathogenic for KIZ & PLK1S1-related disorders. Last evaluated: 2018-11-28. Review status: criteria provided, single submitter. Criteria: ACMG Guidelines, 2015. Collection method: clinical testing. Allele origin: germline. Affected: yes. Observed: 2 variant alleles.

Literature cited by the submitters: PubMed 24680887 (cited by Labcorp Genetics (formerly Invitae), Labcorp); PubMed 29057815 (cited by Labcorp Genetics (formerly Invitae), Labcorp).

NM_018474.6(KIZ):c.1395_1398dup (p.Gln467fs)

Genes: KIZ (kizuna centrosomal protein; plus strand), KIZ-AS1 (KIZ antisense RNA 1; minus strand). Cytogenetic location: 20p11.23.
Variant type: Duplication.
Coding change: c.1395_1398dup on transcript NM_018474.6 (MANE Select); coding-DNA positions 1395 to 1398, 4 bases duplicated (GGGT; older notation c.1395_1398dupGGGT).
Protein change: p.Gln467fs; shifts the reading frame from glutamine 467.
Molecular consequence: frameshift variant. On other transcripts: splice donor variant (2).
Genome position (GRCh38, 1-based): chr20:21,205,533-21,205,536, GGGT duplicated; duplicating any 4 consecutive bases within chr20:21,205,530-21,205,536 gives the same sequence; the c. name uses the placement nearest the transcript's 3' end. VCF-style (leftmost placement, unchanged base first): chr20-21205529-A-AGGTG. GRCh37 (hg19) VCF-style: chr20-21186167-A-AGGTG.
Other names: c.1086_1089dup, p.Gln364fs (NM_001163022.3); c.996_999dup, p.Gln334fs (NM_001163023.3); c.1248_1251dup, p.Gln418fs (NM_001276389.2); c.1053_1056dup, p.Gln353fs (NM_001352436.2); c.1392+3_1392+6dup (NM_001352434.2); c.1083+3_1083+6dup (NM_001352435.2); c.1395_1398dupGGGT (NM_018474.5); short protein forms Q364fs, Q353fs, Q418fs, Q467fs, Q334fs.
Identifiers: ClinVar variation 866866 (VCV000866866.9), dbSNP rs890128759, ClinGen allele CA312984364.